The following is an entry in ClinVar:

ClinVar aggregate classification (germline): Uncertain significance (1 of 4 stars; one submission).

Submission:

Labcorp Genetics (formerly Invitae), Labcorp
Classification: Uncertain significance. Last evaluated: 2023-08-17. Review status: criteria provided, single submitter. Criteria: Invitae Variant Classification Sherloc (09022015). Collection method: clinical testing. Allele origin: germline.
Comment: In summary, the available evidence is currently insufficient to determine the role of this variant in disease. Therefore, it has been classified as a Variant of Uncertain Significance. Algorithms developed to predict the effect of sequence changes on RNA splicing suggest that this variant may disrupt the consensus splice site. This variant has not been reported in the literature in individuals affected with PPOX-related conditions. This variant is not present in population databases (gnomAD no frequency). This sequence change falls in intron 2 of the PPOX gene. It does not directly change the encoded amino acid sequence of the PPOX protein.

NM_001122764.3(PPOX):c.88-18_88-15del

Gene: PPOX (protoporphyrinogen oxidase; plus strand). Cytogenetic location: 1q23.3.
Variant type: Microsatellite.
Coding change: c.88-18_88-15del on transcript NM_001122764.3 (MANE Select); 18 bases into the intron before coding-DNA position 88 through 15 bases into the intron before coding-DNA position 88, 4 bases deleted (TCTC; older notation c.88-18_88-15delTCTC).
Molecular consequence: intron variant.
Genome position (GRCh38, 1-based): chr1:161,167,082-161,167,085, TCTC deleted; deleting any 4 consecutive bases within chr1:161,167,080-161,167,085 gives the same sequence; the c. name uses the placement nearest the transcript's 3' end. VCF-style (leftmost placement, unchanged base first): chr1-161167079-GTCTC-G. GRCh37 (hg19) VCF-style: chr1-161136869-GTCTC-G.
Other names: c.-431-18_-431-15del (NM_001350130.2); c.88-18_88-15del (NM_001350128.2, NM_001365399.1, NM_000309.5 and 1 more transcripts); c.-340-18_-340-15del (NM_001350129.2); c.-317-18_-317-15del (NM_001350131.2); c.-224-18_-224-15del (NM_001365400.1); c.-283-18_-283-15del (NM_001365401.1).
Identifiers: ClinVar variation 2753315 (VCV002753315.3), dbSNP rs2525188022, ClinGen allele CA2697554627.